The following is an entry in ClinVar:

NC_000019.9:g.(?_13318860)_(13325442_?)del

Gene: CACNA1A (calcium voltage-gated channel subunit alpha1 A; minus strand). Cytogenetic location: 19p13.2.
Variant type: Deletion.
Identifiers: ClinVar variation 1460138 (VCV001460138.6).

ClinVar aggregate classification (germline): Pathogenic (1 of 4 stars; one submission).

Conditions:
Developmental and epileptic encephalopathy, 42 (DEE42A). Also called: DEVELOPMENTAL AND EPILEPTIC ENCEPHALOPATHY 42A; EPILEPTIC ENCEPHALOPATHY, EARLY INFANTILE, 42A; Epileptic encephalopathy, early infantile, 42. Identifiers: MedGen C4310716, MONDO:0014917, OMIM 617106.
Episodic ataxia type 2 (EA2). Also called: ATAXIA, EPISODIC, WITH NYSTAGMUS; ATAXIA, FAMILIAL PAROXYSMAL; CEREBELLAR ATAXIA, PAROXYSMAL, ACETAZOLAMIDE-RESPONSIVE; CEREBELLOPATHY, HEREDITARY PAROXYSMAL; EPISODIC ATAXIA, NYSTAGMUS-ASSOCIATED; ACETAZOLAMIDE-RESPONSIVE HEREDITARY PAROXYSMAL CEREBELLAR ATAXIA. Identifiers: Orphanet 97, MedGen C1720416, MONDO:0007163, OMIM 108500.

Submission:

Labcorp Genetics (formerly Invitae), Labcorp
Classification: Pathogenic for Developmental and epileptic encephalopathy, 42; Episodic ataxia type 2. Last evaluated: 2023-10-13. Review status: criteria provided, single submitter. Criteria: Invitae Variant Classification Sherloc (09022015). Collection method: clinical testing. Allele origin: germline.
Comment: This variant is a gross deletion of the genomic region encompassing exon(s) 39-47 of the CACNA1A gene, which includes the termination codon. This deletion extends beyond the assayed region for this gene and therefore may encompass additional genes. While this deletion is not anticipated to lead to nonsense mediated decay, it is expected to alter mRNA translation or result in a truncated protein product. A similar copy number variant has been observed in individuals with CACNA1A-related conditions (PMID: 19586927, 21927611). For these reasons, this variant has been classified as Pathogenic.

Literature cited by the submitters: PubMed 19586927; PubMed 21927611.